The following is an entry in ClinVar:

ClinVar aggregate classification (germline): Likely benign. Review status: criteria provided, multiple submitters, no conflicts (2 of 4 stars). 2 submissions from 2 submitters: Likely benign (2). Last evaluated 2017-04-27.

Conditions:
Holoprosencephaly 9 (HPE9). Also called: PITUITARY ANOMALIES WITH HOLOPROSENCEPHALY-LIKE FEATURES; HOLOPROSENCEPHALY WITH MICROPHTHALMIA AND FIRST BRANCHIAL ARCH ANOMALIES. Identifiers: Orphanet 2162, MedGen C1835819, MONDO:0012563, OMIM 610829.

Allele frequency attached by ClinVar (database versions not stated): gnomAD exomes 0.00572; gnomAD 0.00405 and 0.00407; 1000 Genomes Project 30x 0.00250; TOPMed 0.00414; 1000 Genomes Project 0.00280.
gnomAD v4.1: 3,981 of 739,254 alleles (0.54%); highest among the groups gnomAD compares: Non-Finnish European, 0.66%; 25 homozygotes.

Submissions (2):

Illumina Laboratory Services, Illumina
Classification: Likely benign for Holoprosencephaly 9. Last evaluated: 2017-04-27. Review status: criteria provided, single submitter. Criteria: ICSL Variant Classification Criteria 13 December 2019. Collection method: clinical testing. Allele origin: germline.
Comment: This variant was observed as part of a predisposition screen in an ostensibly healthy population. A literature search was performed for the gene, cDNA change, and amino acid change (where applicable). No publications were found based on this search. Allele frequency data from public databases allowed determination this variant is unlikely to cause disease. Therefore, this variant is classified as likely benign.

Breakthrough Genomics
Classification: Likely benign. Review status: criteria provided, single submitter. Criteria: ACMG Guidelines, 2015. Collection method: not provided. Allele origin: germline. Inheritance: Autosomal dominant inheritance. Affected: yes.

NM_001374353.1(GLI2):c.*118C>T

Gene: GLI2 (GLI family zinc finger 2; plus strand). Cytogenetic location: 2q14.2.
Variant type: single nucleotide variant.
Coding change: c.*118C>T on transcript NM_001374353.1 (MANE Select); 118 bases downstream of the stop codon, C replaced by T.
Molecular consequence: 3 prime UTR variant.
Genome position (GRCh38, 1-based): chr2:120,990,793, C>T. VCF-style: chr2-120990793-C-T. GRCh37 (hg19) VCF-style: chr2-121748369-C-T.
Other names: c.*118C>T (NM_001371271.1, NM_001374354.1, NM_005270.5).
Identifiers: ClinVar variation 331002 (VCV000331002.6), dbSNP rs190824141, ClinGen allele CA10610701.
Genomic context (GRCh38, chr2:120,990,793, plus strand): 5'-GGGATTCCAGCTGTCTTGTCTTTTTCCAAAAAAGTGTTAAATAGGCTTGAGGGGTTGTTG[C>T]GCAATGGCCGCTTCAGATGACAGATGTTGTAAGAGAAGGTTTATGGGCATCCTCTCTGGT-3'